The following is an entry in ClinVar:

ClinVar aggregate classification (germline): Likely pathogenic (1 of 4 stars; one submission).

Conditions:
Dilated cardiomyopathy 1G (CMD1G). Identifiers: Orphanet 154, MedGen C1858763, MONDO:0011400, OMIM 604145.
Autosomal recessive limb-girdle muscular dystrophy type 2J (LGMDR10). Also called: Limb-girdle muscular dystrophy, type 2J; MUSCULAR DYSTROPHY, LIMB-GIRDLE, AUTOSOMAL RECESSIVE 10. Identifiers: Orphanet 140922, MedGen C1837342, MONDO:0012127, OMIM 608807.

Submission:

Labcorp Genetics (formerly Invitae), Labcorp
Classification: Likely pathogenic for Dilated cardiomyopathy 1G; Autosomal recessive limb-girdle muscular dystrophy type 2J. Last evaluated: 2024-07-30. Review status: criteria provided, single submitter. Criteria: Invitae Variant Classification Sherloc (09022015). Collection method: clinical testing. Allele origin: germline.
Comment: This sequence change creates a premature translational stop signal (p.Pro28457Aspfs*5) in the TTN gene. While this is not anticipated to result in nonsense mediated decay, it is expected to create a truncated TTN protein. This variant is not present in population databases (gnomAD no frequency). This variant has not been reported in the literature in individuals affected with TTN-related conditions. This variant is located in the A band of TTN (PMID: 25589632). Truncating variants in this region are significantly overrepresented in patients affected with dilated cardiomyopathy (PMID: 25589632). Truncating variants in this region have also been reported in individuals affected with autosomal recessive centronuclear myopathy (PMID: 23975875). In summary, the currently available evidence indicates that the variant is pathogenic, but additional data are needed to prove that conclusively. Therefore, this variant has been classified as Likely Pathogenic.

Literature cited by the submitters: PubMed 25589632; PubMed 23975875.

NM_001267550.2(TTN):c.85366_85367dup (p.Pro28457fs)

Genes: TTN-AS1 (TTN antisense RNA 1; plus strand), TTN (titin; minus strand). Cytogenetic location: 2q31.2.
Variant type: Duplication.
Coding change: c.85366_85367dup on transcript NM_001267550.2 (MANE Select); coding-DNA positions 85366 to 85367, 2 bases duplicated (GG; older notation c.85366_85367dupGG).
Protein change: p.Pro28457fs; shifts the reading frame from proline 28457.
Molecular consequence: frameshift variant.
Genome position (GRCh38, 1-based): chr2:178,560,765-178,560,766, CC duplicated on the plus strand (GG on the coding strand, the reverse complement: TTN is on the minus strand). VCF-style (leftmost placement, unchanged base first): chr2-178560764-T-TCC. GRCh37 (hg19) VCF-style: chr2-179425491-T-TCC.
Other names: c.80443_80444dup, p.Pro26816fs (NM_001256850.1); c.58171_58172dup, p.Pro19392fs (NM_003319.4); c.77662_77663dup, p.Pro25889fs (NM_133378.4); c.58546_58547dup, p.Pro19517fs (NM_133432.3); c.58747_58748dup, p.Pro19584fs (NM_133437.4); short protein forms P19392fs, P19517fs, P19584fs, P25889fs, P26816fs, P28457fs.
Identifiers: ClinVar variation 3757441 (VCV003757441.2).